The following is an entry in ClinVar:

NM_006031.6(PCNT):c.3472C>T (p.Leu1158Phe)

Gene: PCNT (pericentrin; plus strand). Cytogenetic location: 21q22.3.
Variant type: single nucleotide variant.
Coding change: c.3472C>T on transcript NM_006031.6 (MANE Select); coding-DNA position 3472, C replaced by T.
Protein change: p.Leu1158Phe; replaces leucine 1158 with phenylalanine.
Molecular consequence: missense variant.
Genome position (GRCh38, 1-based): chr21:46,388,749, C>T. VCF-style: chr21-46388749-C-T. GRCh37 (hg19) VCF-style: chr21-47808664-C-T.
Other names: c.3118C>T, p.Leu1040Phe (NM_001315529.2); short protein forms L1040F, L1158F.
Identifiers: ClinVar variation 4987407 (VCV004987407.1).

ClinVar aggregate classification (germline): Uncertain significance (1 of 4 stars; one submission).

Conditions:
PCNT-related disorder. Also called: PCNT-related condition.

gnomAD v4.1: 10 of 1,613,872 alleles (0.00062%); highest among the groups gnomAD compares: Non-Finnish European, 0.00085%; no homozygotes.

Submission:

PreventionGenetics, part of Exact Sciences
Classification: Uncertain significance for PCNT-related condition. Last evaluated: 2025-10-22. Review status: criteria provided, single submitter. Criteria: ACMG Guidelines, 2015. Collection method: clinical testing. Allele origin: germline.
Comment: The PCNT c.3472C>T variant is predicted to result in the amino acid substitution p.Leu1158Phe. To our knowledge, this variant has not been reported in the literature. This variant is reported in 0.0% of alleles in individuals of African descent in gnomAD. At this time, the clinical significance of this variant is uncertain due to the absence of conclusive functional and genetic evidence.